The following is an entry in ClinVar:

NM_001184.4(ATR):c.4825T>C (p.Ser1609Pro)

Gene: ATR (ATR checkpoint kinase; minus strand). Cytogenetic location: 3q23.
Variant type: single nucleotide variant.
Coding change: c.4825T>C on transcript NM_001184.4 (MANE Select); coding-DNA position 4825, T replaced by C.
Protein change: p.Ser1609Pro; replaces serine 1609 with proline.
Molecular consequence: missense variant.
Genome position (GRCh38, 1-based): chr3:142,512,287, A>G on the plus strand (T>C on the coding strand, the complement: ATR is on the minus strand). VCF-style: chr3-142512287-A-G. GRCh37 (hg19) VCF-style: chr3-142231129-A-G.
Other names: c.4633T>C, p.Ser1545Pro (NM_001354579.2); short protein forms S1545P, S1609P.
Identifiers: ClinVar variation 3221186 (VCV003221186.1), dbSNP rs2108371195, ClinGen allele CA354794902.

ClinVar aggregate classification (germline): Uncertain significance (1 of 4 stars; one submission).

Conditions:
Inborn genetic diseases. Identifiers: MedGen C0950123, MeSH D030342.

Submission:

Ambry Genetics
Classification: Uncertain significance for Inborn genetic diseases. Last evaluated: 2023-12-20. Review status: criteria provided, single submitter. Criteria: Ambry Variant Classification Scheme 2023. Collection method: clinical testing. Allele origin: germline.
Comment: The p.S1609P variant (also known as c.4825T>C), located in coding exon 27 of the ATR gene, results from a T to C substitution at nucleotide position 4825. The serine at codon 1609 is replaced by proline, an amino acid with similar properties. This amino acid position is conserved. In addition, this alteration is predicted to be tolerated by in silico analysis. Since supporting evidence is limited at this time, the clinical significance of this alteration remains unclear.